The following is an entry in ClinVar:

NM_005121.3(MED13):c.3818A>G (p.Gln1273Arg)

Gene: MED13 (mediator complex subunit 13; minus strand). Cytogenetic location: 17q23.2.
Variant type: single nucleotide variant.
Coding change: c.3818A>G on transcript NM_005121.3 (MANE Select); coding-DNA position 3818, A replaced by G.
Protein change: p.Gln1273Arg; replaces glutamine 1273 with arginine.
Molecular consequence: missense variant.
Genome position (GRCh38, 1-based): chr17:61,972,876, T>C on the plus strand (A>G on the coding strand, the complement: MED13 is on the minus strand). VCF-style: chr17-61972876-T-C. GRCh37 (hg19) VCF-style: chr17-60050237-T-C.
Other names: short protein forms Q1273R.
Identifiers: ClinVar variation 3768345 (VCV003768345.1).

ClinVar aggregate classification (germline): Uncertain significance (1 of 4 stars; one submission).

gnomAD v4.1: 92 of 1,590,658 alleles (0.0058%); highest among the groups gnomAD compares: Non-Finnish European, 0.0074%; no homozygotes.

Submission:

Women's Health and Genetics/Laboratory Corporation of America, LabCorp
Classification: Uncertain significance. Last evaluated: 2024-12-02. Review status: criteria provided, single submitter. Criteria: LabCorp Variant Classification Summary - May 2015. Collection method: clinical testing. Allele origin: germline.
Comment: Variant summary: MED13 c.3818A>G (p.Gln1273Arg) results in a conservative amino acid change in the encoded protein sequence. Three of five in-silico tools predict a benign effect of the variant on protein function. The variant allele was found at a frequency of 1.8e-05 in 225978 control chromosomes. The available data on variant occurrences in the general population are insufficient to allow any conclusion about variant significance. To our knowledge, no occurrence of c.3818A>G in individuals affected with Intellectual Developmental Disorder 61 and no experimental evidence demonstrating its impact on protein function have been reported. No submitters have cited clinical-significance assessments for this variant to ClinVar. Based on the evidence outlined above, the variant was classified as uncertain significance.